The following is an entry in ClinVar:

ClinVar aggregate classification (germline): Uncertain significance (1 of 4 stars; one submission).

Conditions:
ALMS1-related disorder. Also called: ALMS1-related condition.

Submission:

PreventionGenetics, part of Exact Sciences
Classification: Uncertain significance for ALMS1-related condition. Last evaluated: 2023-10-03. Review status: criteria provided, single submitter. Criteria: ACMG Guidelines, 2015. Collection method: clinical testing. Allele origin: germline.
Comment: The ALMS1 c.6923C>T variant is predicted to result in the amino acid substitution p.Thr2308Met. To our knowledge, this variant has not been reported in the literature. This variant is reported in 0.017% of alleles in individuals of Latino descent in gnomAD. At this time, the clinical significance of this variant is uncertain due to the absence of conclusive functional and genetic evidence.

NM_001378454.1(ALMS1):c.6920C>T (p.Ser2307Phe)

Gene: ALMS1 (ALMS1 centrosome and basal body associated protein; plus strand). Cytogenetic location: 2p13.1.
Variant type: single nucleotide variant.
Coding change: c.6920C>T on transcript NM_001378454.1 (MANE Select); coding-DNA position 6920, C replaced by T.
Protein change: p.Ser2307Phe; replaces serine 2307 with phenylalanine.
Molecular consequence: missense variant.
Genome position (GRCh38, 1-based): chr2:73,453,447, C>T. VCF-style: chr2-73453447-C-T. GRCh37 (hg19) VCF-style: chr2-73680574-C-T.
Other names: c.6923C>T, p.Ser2308Phe (NM_015120.4); short protein forms S2307F, S2308F.
Identifiers: ClinVar variation 2636620 (VCV002636620.1), dbSNP rs2466110615, ClinGen allele CA347290071.